The following is an entry in ClinVar:

NM_001355436.2(SPTB):c.629C>A (p.Ala210Asp)

Gene: SPTB (spectrin beta, erythrocytic; minus strand). Cytogenetic location: 14q23.3.
Variant type: single nucleotide variant.
Coding change: c.629C>A on transcript NM_001355436.2 (MANE Select); coding-DNA position 629, C replaced by A.
Protein change: p.Ala210Asp; replaces alanine 210 with aspartic acid.
Molecular consequence: missense variant.
Genome position (GRCh38, 1-based): chr14:64,801,772, G>T on the plus strand (C>A on the coding strand, the complement: SPTB is on the minus strand). VCF-style: chr14-64801772-G-T. GRCh37 (hg19) VCF-style: chr14-65268490-G-T.
Other names: c.629C>A, p.Ala210Asp (NM_001024858.4, NM_001355437.2); short protein forms A210D.
Identifiers: ClinVar variation 1386221 (VCV001386221.6), dbSNP rs2139630327, ClinGen allele CA390031952.

ClinVar aggregate classification (germline): Uncertain significance (1 of 4 stars; one submission).

Submission:

Labcorp Genetics (formerly Invitae), Labcorp
Classification: Uncertain significance. Last evaluated: 2022-03-03. Review status: criteria provided, single submitter. Criteria: Invitae Variant Classification Sherloc (09022015). Collection method: clinical testing. Allele origin: germline.
Comment: This variant has not been reported in the literature in individuals affected with SPTB-related conditions. This variant is not present in population databases (gnomAD no frequency). Algorithms developed to predict the effect of missense changes on protein structure and function are either unavailable or do not agree on the potential impact of this missense change (SIFT: "Deleterious"; PolyPhen-2: "Probably Damaging"; Align-GVGD: "Class C0"). In summary, the available evidence is currently insufficient to determine the role of this variant in disease. Therefore, it has been classified as a Variant of Uncertain Significance. This sequence change replaces alanine, which is neutral and non-polar, with aspartic acid, which is acidic and polar, at codon 210 of the SPTB protein (p.Ala210Asp).